The following is an entry in ClinVar:

NM_000548.5(TSC2):c.3970C>G (p.Leu1324Val)

Gene: TSC2 (TSC complex subunit 2; plus strand). Cytogenetic location: 16p13.3.
Variant type: single nucleotide variant.
Coding change: c.3970C>G on transcript NM_000548.5 (MANE Select); coding-DNA position 3970, C replaced by G.
Protein change: p.Leu1324Val; replaces leucine 1324 with valine.
Molecular consequence: missense variant.
Genome position (GRCh38, 1-based): chr16:2,083,781, C>G. VCF-style: chr16-2083781-C-G. GRCh37 (hg19) VCF-style: chr16-2133782-C-G.
Other names: c.3769C>G, p.Leu1257Val (NM_001077183.3); c.3901C>G, p.Leu1301Val (NM_001114382.3); c.3661C>G, p.Leu1221Val (NM_001318827.2); c.3625C>G, p.Leu1209Val (NM_001318829.2); c.3238C>G, p.Leu1080Val (NM_001318831.2); c.3802C>G, p.Leu1268Val (NM_001318832.2); c.3772C>G, p.Leu1258Val (NM_001363528.2); c.3838C>G, p.Leu1280Val (NM_001370404.1); and 1 more; short protein forms L1209V, L1221V, L1268V, L1281V, L1301V, L1257V, L1280V, L1324V.
Identifiers: ClinVar variation 824444 (VCV000824444.9), dbSNP rs549060036, ClinGen allele CA276752864.

ClinVar aggregate classification (germline): Uncertain significance. Review status: criteria provided, multiple submitters, no conflicts (2 of 4 stars). 3 submissions from 3 submitters: Uncertain significance (3). Last evaluated 2025-08-07.

Conditions:
Hereditary cancer-predisposing syndrome. Also called: Neoplastic Syndromes, Hereditary; Hereditary Cancer Syndrome; Hereditary neoplastic syndrome; Tumor predisposition. Identifiers: Orphanet 140162, MedGen C0027672, MeSH D009386, MONDO:0015356.
Tuberous sclerosis syndrome (TSC). Also called: Tuberous Sclerosis Complex; Tuberous sclerosis. Identifiers: Orphanet 805, MedGen C0041341, MONDO:0001734.
Tuberous sclerosis 2 (TSC2). Identifiers: Orphanet 805, MedGen C1860707, MONDO:0013199, OMIM 613254.

Allele frequency attached by ClinVar (database versions not stated): gnomAD 0.00001; 1000 Genomes Project 30x 0.00016; 1000 Genomes Project 0.00020.
gnomAD v4.1: 1 of 1,611,514 alleles (0.000062%); highest among the groups gnomAD compares: Admixed American, 0.0017%; no homozygotes.

Submissions (3):

Color Diagnostics, LLC DBA Color Health
Classification: Uncertain significance for Tuberous sclerosis syndrome. Last evaluated: 2025-08-07. Review status: criteria provided, single submitter. Criteria: ACMG Guidelines, 2015. Collection method: clinical testing. Allele origin: germline.
Comment: This missense variant replaces leucine with valine at codon 1324 of the TSC2 protein. Computational prediction is inconclusive regarding the impact of this variant on protein structure and function. To our knowledge, functional studies have not been reported for this variant. This variant has not been reported in individuals affected with TSC2-related disorders in the literature. This variant has not been identified in the general population by the Genome Aggregation Database (gnomAD). The available evidence is insufficient to determine the role of this variant in disease conclusively. Therefore, this variant is classified as a Variant of Uncertain Significance.

Ambry Genetics
Classification: Uncertain significance for Hereditary cancer-predisposing syndrome. Last evaluated: 2024-12-30. Review status: criteria provided, single submitter. Criteria: Ambry Variant Classification Scheme 2023. Collection method: clinical testing. Allele origin: germline.
Comment: The p.L1324V variant (also known as c.3970C>G), located in coding exon 32 of the TSC2 gene, results from a C to G substitution at nucleotide position 3970. The leucine at codon 1324 is replaced by valine, an amino acid with highly similar properties. This amino acid position is not well conserved in available vertebrate species. In addition, this alteration is predicted to be tolerated by in silico analysis. Based on the available evidence, the clinical significance of this variant remains unclear.

Labcorp Genetics (formerly Invitae), Labcorp
Classification: Uncertain significance for Tuberous sclerosis 2. Last evaluated: 2024-04-08. Review status: criteria provided, single submitter. Criteria: Invitae Variant Classification Sherloc (09022015). Collection method: clinical testing. Allele origin: germline.
Comment: This sequence change replaces leucine, which is neutral and non-polar, with valine, which is neutral and non-polar, at codon 1324 of the TSC2 protein (p.Leu1324Val). This variant is not present in population databases (gnomAD no frequency). This variant has not been reported in the literature in individuals affected with TSC2-related conditions. ClinVar contains an entry for this variant (Variation ID: 824444). Advanced modeling of protein sequence and biophysical properties (such as structural, functional, and spatial information, amino acid conservation, physicochemical variation, residue mobility, and thermodynamic stability) performed at Invitae indicates that this missense variant is not expected to disrupt TSC2 protein function with a negative predictive value of 95%. In summary, the available evidence is currently insufficient to determine the role of this variant in disease. Therefore, it has been classified as a Variant of Uncertain Significance.